The following is an entry in ClinVar:

NM_001127644.2(GABRA1):c.983T>C (p.Leu328Pro)

Gene: GABRA1 (gamma-aminobutyric acid type A receptor subunit alpha1; plus strand). Cytogenetic location: 5q34.
Variant type: single nucleotide variant.
Coding change: c.983T>C on transcript NM_001127644.2 (MANE Select); coding-DNA position 983, T replaced by C.
Protein change: p.Leu328Pro; replaces leucine 328 with proline.
Molecular consequence: missense variant.
Genome position (GRCh38, 1-based): chr5:161,895,792, T>C. VCF-style: chr5-161895792-T-C. GRCh37 (hg19) VCF-style: chr5-161322798-T-C.
Other names: c.983T>C, p.Leu328Pro (NM_000806.5, NM_001127643.2, NM_001127645.2 and 1 more transcripts); short protein forms L328P.
Identifiers: ClinVar variation 2951783 (VCV002951783.3), dbSNP rs2532292278, ClinGen allele CA362180338.

ClinVar aggregate classification (germline): Uncertain significance (1 of 4 stars; one submission).

Conditions:
Idiopathic generalized epilepsy. Also called: Generalised epilepsy; EIG. Identifiers: MedGen C0270850, MONDO:0005579, OMIM 600669.
Epilepsy, idiopathic generalized, susceptibility to, 13. Also called: EPILEPSY, JUVENILE MYOCLONIC, SUSCEPTIBILITY TO, 5. Identifiers: Orphanet 307, Orphanet 64280, MedGen C4013473, MONDO:0012627, OMIM 611136.
Epilepsy, childhood absence 4 (ECA4). Also called: EPILEPSY, CHILDHOOD ABSENCE, SUSCEPTIBILITY TO, 4. Identifiers: Orphanet 307, MedGen C1970160.

Submission:

Labcorp Genetics (formerly Invitae), Labcorp
Classification: Uncertain significance for Epilepsy, childhood absence 4; Epilepsy, idiopathic generalized, susceptibility to, 13; Idiopathic generalized epilepsy. Last evaluated: 2023-12-09. Review status: criteria provided, single submitter. Criteria: Invitae Variant Classification Sherloc (09022015). Collection method: clinical testing. Allele origin: germline.
Comment: This sequence change replaces leucine, which is neutral and non-polar, with proline, which is neutral and non-polar, at codon 328 of the GABRA1 protein (p.Leu328Pro). This variant is not present in population databases (gnomAD no frequency). This variant has not been reported in the literature in individuals affected with GABRA1-related conditions. Advanced modeling of protein sequence and biophysical properties (such as structural, functional, and spatial information, amino acid conservation, physicochemical variation, residue mobility, and thermodynamic stability) performed at Invitae indicates that this missense variant is expected to disrupt GABRA1 protein function with a positive predictive value of 95%. In summary, the available evidence is currently insufficient to determine the role of this variant in disease. Therefore, it has been classified as a Variant of Uncertain Significance.